The following is an entry in ClinVar:

NM_006593.4(TBR1):c.1488G>C (p.Ala496=)

Gene: TBR1 (T-box brain transcription factor 1; plus strand). Cytogenetic location: 2q24.2.
Variant type: single nucleotide variant.
Coding change: c.1488G>C on transcript NM_006593.4 (MANE Select); coding-DNA position 1488, G replaced by C.
Protein change: p.Ala496=; no amino-acid change (alanine 496 retained).
Molecular consequence: synonymous variant.
Genome position (GRCh38, 1-based): chr2:161,423,666, G>C. VCF-style: chr2-161423666-G-C. GRCh37 (hg19) VCF-style: chr2-162280177-G-C.
Identifiers: ClinVar variation 4681495 (VCV004681495.5).

ClinVar aggregate classification (germline): Likely benign (1 of 4 stars; one submission).

gnomAD v4.1: 115 of 1,543,912 alleles (0.0074%); highest among the groups gnomAD compares: South Asian, 0.13%; 3 homozygotes.

Submission:

CeGaT Center for Human Genetics Tuebingen
Classification: Likely benign. Last evaluated: 2025-12-01. Review status: criteria provided, single submitter. Criteria: CeGaT Center For Human Genetics Tuebingen Variant Classification Criteria Version 2. Collection method: clinical testing. Allele origin: germline. Affected: yes. Observed: 1 variant allele.
Comment: TBR1: BP4, BP7